The following is an entry in ClinVar:

NM_001042492.3(NF1):c.3102_3103delinsAT (p.Met1035Leu)

Gene: NF1 (neurofibromin 1; plus strand). Cytogenetic location: 17q11.2.
Variant type: Indel.
Coding change: c.3102_3103delinsAT on transcript NM_001042492.3 (MANE Select); coding-DNA positions 3102 to 3103, GA replaced by AT.
Protein change: p.Met1035Leu; replaces methionine 1035 with leucine.
Molecular consequence: missense variant.
Genome position (GRCh38, 1-based): chr17:31,230,371-31,230,372, GA replaced by AT. VCF-style: chr17-31230371-GA-AT. GRCh37 (hg19) VCF-style: chr17-29557389-GA-AT.
Other names: c.3102_3103delGAinsAT, p.Met1035Leu (NM_000267.4); c.3102_3103delGAinsAT (NM_000267.3); short protein forms M1035L.
Identifiers: ClinVar variation 3404804 (VCV003404804.1).

ClinVar aggregate classification (germline): Uncertain significance (1 of 4 stars; one submission).

Conditions:
Hereditary cancer-predisposing syndrome. Also called: Hereditary Cancer Syndrome; Tumor predisposition; Hereditary neoplastic syndrome; Neoplastic Syndromes, Hereditary. Identifiers: Orphanet 140162, MedGen C0027672, MeSH D009386, MONDO:0015356.
Cardiovascular phenotype. Identifiers: MedGen CN230736.

Submission:

Ambry Genetics
Classification: Uncertain significance for Cardiovascular phenotype; Hereditary cancer-predisposing syndrome. Last evaluated: 2024-11-08. Review status: criteria provided, single submitter. Criteria: Ambry Variant Classification Scheme 2023. Collection method: clinical testing. Allele origin: germline.
Comment: The c.3102_3103delGAinsAT variant, located in coding exon 23 of the NF1 gene, results from an in-frame deletion of GA and insertion of AT at nucleotide positions 3102 to 3103. This results in the substitution of the methionine residue for a leucine residue at codon 1035, an amino acid with highly similar properties. This amino acid position is highly conserved in available vertebrate species. In addition, this alteration is predicted to be neutral by in silico analysis (Choi Y et al. PLoS ONE. 2012; 7(10):e46688). Based on the available evidence, the clinical significance of this variant remains unclear.